The following is an entry in ClinVar:

ClinVar aggregate classification (germline): Uncertain significance (1 of 4 stars; one submission).

Conditions:
Cardiovascular phenotype. Identifiers: MedGen CN230736.
Hereditary cancer-predisposing syndrome. Also called: Hereditary Cancer Syndrome; Hereditary neoplastic syndrome; Neoplastic Syndromes, Hereditary; Tumor predisposition. Identifiers: Orphanet 140162, MedGen C0027672, MeSH D009386, MONDO:0015356.

gnomAD v4.1: 1 of 1,613,564 alleles (0.000062%); highest among the groups gnomAD compares: South Asian, 0.0011%; no homozygotes.

Submission:

Ambry Genetics
Classification: Uncertain significance for Cardiovascular phenotype; Hereditary cancer-predisposing syndrome. Last evaluated: 2025-05-25. Review status: criteria provided, single submitter. Criteria: Ambry Variant Classification Scheme 2023. Collection method: clinical testing. Allele origin: germline.
Comment: The p.G663V variant (also known as c.1988G>T), located in coding exon 17 of the LZTR1 gene, results from a G to T substitution at nucleotide position 1988. The glycine at codon 663 is replaced by valine, an amino acid with dissimilar properties. This amino acid position is highly conserved in available vertebrate species. In addition, this alteration is predicted to be deleterious by in silico analysis. Based on the available evidence, the clinical significance of this variant remains unclear.

NM_006767.4(LZTR1):c.1988G>T (p.Gly663Val)

Gene: LZTR1 (leucine zipper like post translational regulator 1; plus strand). Cytogenetic location: 22q11.21.
Variant type: single nucleotide variant.
Coding change: c.1988G>T on transcript NM_006767.4 (MANE Select); coding-DNA position 1988, G replaced by T.
Protein change: p.Gly663Val; replaces glycine 663 with valine.
Molecular consequence: missense variant.
Genome position (GRCh38, 1-based): chr22:20,995,791, G>T. VCF-style: chr22-20995791-G-T. GRCh37 (hg19) VCF-style: chr22-21350080-G-T.
Other names: short protein forms G663V.
Identifiers: ClinVar variation 3915671 (VCV003915671.1).